The following is an entry in ClinVar:

NM_194454.3(KRIT1):c.1932_1933del (p.Phe645fs)

Gene: KRIT1 (KRIT1 ankyrin repeat containing; minus strand). Cytogenetic location: 7q21.2.
Variant type: Microsatellite.
Coding change: c.1932_1933del on transcript NM_194454.3 (MANE Select); coding-DNA positions 1932 to 1933, 2 bases deleted (AT; older notation c.1932_1933delAT).
Protein change: p.Phe645fs; shifts the reading frame from phenylalanine 645.
Molecular consequence: frameshift variant.
Genome position (GRCh38, 1-based): chr7:92,213,287-92,213,288, AT deleted on the plus strand (AT on the coding strand, the reverse complement: KRIT1 is on the minus strand); deleting any 2 consecutive bases within chr7:92,213,287-92,213,290 gives the same sequence; the c. name uses the placement nearest the transcript's 3' end. VCF-style (leftmost placement, unchanged base first): chr7-92213286-AAT-A. GRCh37 (hg19) VCF-style: chr7-91842600-AAT-A.
Other names: c.1788_1789del, p.Phe597fs (NM_001013406.2, NM_001350669.1, NM_001350670.1); c.1218_1219del, p.Phe407fs (NM_001350671.1); c.1932_1933del, p.Phe645fs (NM_001350672.1, NM_001350673.1, NM_001350674.1 and 26 more transcripts); short protein forms F645fs, F407fs, F597fs.
Identifiers: ClinVar variation 2116926 (VCV002116926.4), dbSNP rs2535705315, ClinGen allele CA2580615924.

ClinVar aggregate classification (germline): Pathogenic (1 of 4 stars; one submission).

Conditions:
Cerebral cavernous malformation (CCM). Also called: Cerebral cavernous malformations; CAVERNOUS ANGIOMA, FAMILIAL; CAVERNOUS ANGIOMATOUS MALFORMATIONS; CEREBRAL CAPILLARY MALFORMATIONS; Cerebral cavernous hemangioma (type); Cavernous Hemangioma of Brain. Identifiers: Orphanet 221061, MedGen C2919945, MONDO:0000820, OMIM 116860, HP:0033522.

Submission:

Labcorp Genetics (formerly Invitae), Labcorp
Classification: Pathogenic for Cerebral cavernous malformation. Last evaluated: 2022-03-25. Review status: criteria provided, single submitter. Criteria: Invitae Variant Classification Sherloc (09022015). Collection method: clinical testing. Allele origin: germline.
Comment: This sequence change creates a premature translational stop signal (p.Phe645Tyrfs*9) in the KRIT1 gene. It is expected to result in an absent or disrupted protein product. Loss-of-function variants in KRIT1 are known to be pathogenic (PMID: 10508515, 11222804, 12404106, 24689081). This variant is not present in population databases (gnomAD no frequency). For these reasons, this variant has been classified as Pathogenic. This variant has not been reported in the literature in individuals affected with KRIT1-related conditions.

Literature cited by the submitters: PubMed 10508515; PubMed 11222804; PubMed 12404106; PubMed 24689081.